The following is an entry in ClinVar:

ClinVar aggregate classification (germline): Likely pathogenic (1 of 4 stars; one submission).

Submission:

Labcorp Genetics (formerly Invitae), Labcorp
Classification: Likely pathogenic. Last evaluated: 2023-06-11. Review status: criteria provided, single submitter. Criteria: Invitae Variant Classification Sherloc (09022015). Collection method: clinical testing. Allele origin: germline.
Comment: This sequence change affects a splice site in intron 20 of the USH2A gene. It is expected to disrupt RNA splicing. Variants that disrupt the donor or acceptor splice site typically lead to a loss of protein function (PMID: 16199547), and loss-of-function variants in USH2A are known to be pathogenic (PMID: 10729113, 10909849, 20507924, 25649381). This variant is not present in population databases (gnomAD no frequency). This variant has not been reported in the literature in individuals affected with USH2A-related conditions. Algorithms developed to predict the effect of sequence changes on RNA splicing suggest that this variant may disrupt the consensus splice site. In summary, the currently available evidence indicates that the variant is pathogenic, but additional data are needed to prove that conclusively. Therefore, this variant has been classified as Likely Pathogenic.

Literature cited by the submitters: PubMed 16199547; PubMed 10729113; PubMed 10909849; PubMed 20507924; PubMed 25649381.

NM_206933.4(USH2A):c.4397-1del

Gene: USH2A (usherin; minus strand). Cytogenetic location: 1q41.
Variant type: Deletion.
Coding change: c.4397-1del on transcript NM_206933.4 (MANE Select); the canonical splice acceptor site of the intron before coding-DNA position 4397, one base deleted (G; older notation c.4397-1delG).
Molecular consequence: splice acceptor variant.
Genome position (GRCh38, 1-based): chr1:216,175,483, C deleted on the plus strand (G on the coding strand, the reverse complement: USH2A is on the minus strand). VCF-style (leftmost placement, unchanged base first): chr1-216175482-GC-G. GRCh37 (hg19) VCF-style: chr1-216348824-GC-G.
Other names: c.4397-1del (NM_007123.6).
Identifiers: ClinVar variation 2864724 (VCV002864724.3), dbSNP rs2527987978, ClinGen allele CA2739275641.
Genomic context (GRCh38, chr1:216,175,482, plus strand): 5'-CTAAGATGGATTGTTGTGCTGTTGATTCCTTTAACCAGAGGTGGCCTCAGTTGTGCTGGT[GC>G]TAAATATTAGAAAACACCTGTTATATTCAAGAATTTGGTTTCTGTCTCTAGACACACATA-3'